The following is an entry in ClinVar:

NM_005591.4(MRE11):c.829G>C (p.Gly277Arg)

Gene: MRE11 (MRE11 homolog, double strand break repair nuclease; minus strand). Cytogenetic location: 11q21.
Variant type: single nucleotide variant.
Coding change: c.829G>C on transcript NM_005591.4 (MANE Select); coding-DNA position 829, G replaced by C.
Protein change: p.Gly277Arg; replaces glycine 277 with arginine.
Molecular consequence: missense variant.
Genome position (GRCh38, 1-based): chr11:94,471,590, C>G on the plus strand (G>C on the coding strand, the complement: MRE11 is on the minus strand). VCF-style: chr11-94471590-C-G. GRCh37 (hg19) VCF-style: chr11-94204756-C-G.
Other names: c.829G>C, p.Gly277Arg (NM_001330347.2, NM_005590.4); short protein forms G277R.
Identifiers: ClinVar variation 1302091 (VCV001302091.2), dbSNP rs2135046093, ClinGen allele CA382375486.

ClinVar aggregate classification (germline): Uncertain significance (1 of 4 stars; one submission).

Submission:

GeneDx
Classification: Uncertain significance. Last evaluated: 2020-02-04. Review status: criteria provided, single submitter. Criteria: GeneDx Variant Classification Process June 2021. Collection method: clinical testing. Allele origin: germline. Affected: yes.
Comment: Not observed in large population cohorts (Lek 2016); In silico analysis supports that this missense variant has a deleterious effect on protein structure/function; Has not been previously published as pathogenic or benign to our knowledge